The following is an entry in ClinVar:

ClinVar aggregate classification (germline): Uncertain significance (0 of 4 stars; one submission).

Conditions:
MKS1-related disorder. Also called: MKS1-related condition; MKS1-related disorders. Identifiers: MedGen CN239382.

gnomAD v4.1: 9 of 1,614,000 alleles (0.00056%); highest among the groups gnomAD compares: African/African-American, 0.0027%; no homozygotes.

Submission:

PreventionGenetics, part of Exact Sciences
Classification: Uncertain significance for MKS1-related condition. Last evaluated: 2024-05-01. Review status: no assertion criteria provided. Collection method: clinical testing. Allele origin: germline.
Comment: The MKS1 c.350C>T variant is predicted to result in the amino acid substitution p.Ser117Leu. To our knowledge, this variant has not been reported in the literature. This variant is reported in 0.0083% of alleles in individuals of African descent in gnomAD. At this time, the clinical significance of this variant is uncertain due to the absence of conclusive functional and genetic evidence.

NM_017777.4(MKS1):c.350C>T (p.Ser117Leu)

Gene: MKS1 (MKS transition zone complex subunit 1; minus strand). Cytogenetic location: 17q22.
Variant type: single nucleotide variant.
Coding change: c.350C>T on transcript NM_017777.4 (MANE Select); coding-DNA position 350, C replaced by T.
Protein change: p.Ser117Leu; replaces serine 117 with leucine.
Molecular consequence: missense variant. On other transcripts: 5 prime UTR variant (1).
Genome position (GRCh38, 1-based): chr17:58,216,155, G>A on the plus strand (C>T on the coding strand, the complement: MKS1 is on the minus strand). VCF-style: chr17-58216155-G-A. GRCh37 (hg19) VCF-style: chr17-56293516-G-A.
Other names: c.-162C>T (NM_001321268.2); c.350C>T, p.Ser117Leu (NM_001321269.2, NM_001330397.2, NM_001411113.1); short protein forms S117L.
Identifiers: ClinVar variation 3353363 (VCV003353363.1).